The following is an entry in ClinVar:

ClinVar aggregate classification (germline): Uncertain significance (1 of 4 stars; one submission).

Submission:

GeneDx
Classification: Uncertain significance. Last evaluated: 2026-01-31. Review status: criteria provided, single submitter. Criteria: GeneDx Variant Classification Process June 2021. Collection method: clinical testing. Allele origin: germline. Affected: yes.
Comment: Not observed at significant frequency in large population cohorts (gnomAD); In silico analysis supports that this missense variant has a deleterious effect on protein structure/function; Has not been previously published as pathogenic or benign to our knowledge

NM_002235.5(KCNA6):c.1372G>C (p.Val458Leu)

Genes: KCNA6 (potassium voltage-gated channel subfamily A member 6; plus strand), KCNA6-AS1 (KCNA6 antisense RNA 1; minus strand). Cytogenetic location: 12p13.32.
Variant type: single nucleotide variant.
Coding change: c.1372G>C on transcript NM_002235.5 (MANE Select); coding-DNA position 1372, G replaced by C.
Protein change: p.Val458Leu; replaces valine 458 with leucine.
Molecular consequence: missense variant. On other transcripts: non-coding transcript variant (3).
Genome position (GRCh38, 1-based): chr12:4,811,413, G>C. VCF-style: chr12-4811413-G-C. GRCh37 (hg19) VCF-style: chr12-4920579-G-C.
Other names: c.1372G>C, p.Val458Leu (NM_001395212.1, NM_001395213.1); short protein forms V458L.
Identifiers: ClinVar variation 2582073 (VCV002582073.2), dbSNP rs2497227231, ClinGen allele CA383442602.